The following is an entry in ClinVar:

NM_022489.4(INF2):c.1263A>C (p.Pro421=)

Gene: INF2 (inverted formin 2; plus strand). Cytogenetic location: 14q32.33.
Variant type: single nucleotide variant.
Coding change: c.1263A>C on transcript NM_022489.4 (MANE Select); coding-DNA position 1263, A replaced by C.
Protein change: p.Pro421=; no amino-acid change (proline 421 retained).
Molecular consequence: synonymous variant.
Genome position (GRCh38, 1-based): chr14:104,707,530, A>C. VCF-style: chr14-104707530-A-C. GRCh37 (hg19) VCF-style: chr14-105173867-A-C.
Other names: c.1263A>C, p.Pro421= (NM_001031714.4).
Identifiers: ClinVar variation 882384 (VCV000882384.8), dbSNP rs761903419, ClinGen allele CA7372539.

ClinVar aggregate classification (germline): Benign/Likely benign. Review status: criteria provided, multiple submitters, no conflicts (2 of 4 stars). 4 submissions from 4 submitters: Benign (1); Likely benign (3). Last evaluated 2021-12-14.

Conditions:
Focal segmental glomerulosclerosis 5 (FSGS5). Identifiers: Orphanet 656, MedGen C2750475, MONDO:0013191, OMIM 613237.
Charcot-Marie-Tooth disease dominant intermediate E. Also called: CHARCOT-MARIE-TOOTH NEUROPATHY WITH FOCAL SEGMENTAL GLOMERULONEPHRITIS. Identifiers: Orphanet 93114, MedGen C4302667, MONDO:0013758, OMIM 614455.

Allele frequency attached by ClinVar (database versions not stated): ExAC 0.00215; gnomAD exomes 0.00483.

Submissions (4):

Fulgent Genetics
Classification: Likely benign for Focal segmental glomerulosclerosis 5; Charcot-Marie-Tooth disease dominant intermediate E. Last evaluated: 2021-12-14. Review status: criteria provided, single submitter. Criteria: ACMG Guidelines, 2015. Collection method: clinical testing. Allele origin: unknown.

GeneDx
Classification: Likely benign. Last evaluated: 2019-08-20. Review status: criteria provided, single submitter. Criteria: GeneDx Variant Classification Process June 2021. Collection method: clinical testing. Allele origin: germline. Affected: yes.

Illumina Laboratory Services, Illumina
Classification: Benign for Focal segmental glomerulosclerosis 5. Last evaluated: 2018-01-12. Review status: criteria provided, single submitter. Criteria: ICSL Variant Classification Criteria 13 December 2019. Collection method: clinical testing. Allele origin: germline.
Comment: This variant was observed in the ICSL laboratory as part of a predisposition screen in an ostensibly healthy population. It had not been previously curated by ICSL or reported in the Human Gene Mutation Database (HGMD: prior to June 1st, 2018), and was therefore a candidate for classification through an automated scoring system. Utilizing variant allele frequency, disease prevalence and penetrance estimates, and inheritance mode, an automated score was calculated to assess if this variant is too frequent to cause the disease. Based on the score and internal cut-off values, a variant classified as benign is not then subjected to further curation. The score for this variant resulted in a classification of benign for this disease.

Breakthrough Genomics
Classification: Likely benign. Review status: criteria provided, single submitter. Criteria: ACMG Guidelines, 2015. Collection method: not provided. Allele origin: germline. Inheritance: Autosomal dominant inheritance. Affected: yes.